The following is an entry in ClinVar:

NM_006767.4(LZTR1):c.549_550del (p.Tyr183_Ser184delinsTer)

Gene: LZTR1 (leucine zipper like post translational regulator 1; plus strand). Cytogenetic location: 22q11.21.
Variant type: Deletion.
Coding change: c.549_550del on transcript NM_006767.4 (MANE Select); coding-DNA positions 549 to 550, 2 bases deleted (CA; older notation c.549_550delCA).
Protein change: p.Tyr183_Ser184delinsTer.
Molecular consequence: nonsense.
Genome position (GRCh38, 1-based): chr22:20,988,828-20,988,829, CA deleted; deleting any 2 consecutive bases within chr22:20,988,827-20,988,829 gives the same sequence; the c. name uses the placement nearest the transcript's 3' end. VCF-style (leftmost placement, unchanged base first): chr22-20988826-TAC-T. GRCh37 (hg19) VCF-style: chr22-21343115-TAC-T.
Identifiers: ClinVar variation 1747852 (VCV001747852.2), dbSNP rs2518614127, ClinGen allele CA2580099184.
Genomic context (GRCh38, chr22:20,988,826, plus strand): 5'-TCCCCTCTTCCCTCACACTCCAGGTTGCCAGTCGCTAGGTCAGCCCATGGGGCCACGGTG[TAC>T]AGTGACAAGCTGTGGATCTTTGCTGGCTATGACGGCAACGCCAGGTGGGTGGTGGTCCGG-3'

ClinVar aggregate classification (germline): Pathogenic (1 of 4 stars; one submission).

Conditions:
Cardiovascular phenotype. Identifiers: MedGen CN230736.
Hereditary cancer-predisposing syndrome. Also called: Hereditary Cancer Syndrome; Hereditary neoplastic syndrome; Neoplastic Syndromes, Hereditary; Tumor predisposition. Identifiers: Orphanet 140162, MedGen C0027672, MeSH D009386, MONDO:0015356.

Submission:

Ambry Genetics
Classification: Pathogenic for Cardiovascular phenotype; Hereditary cancer-predisposing syndrome. Last evaluated: 2021-04-23. Review status: criteria provided, single submitter. Criteria: Ambry Variant Classification Scheme 2023. Collection method: clinical testing. Allele origin: germline.
Comment: The c.549_550delCA pathogenic mutation, located in coding exon 6 of the LZTR1 gene, results from a deletion of two nucleotides at nucleotide positions 549 to 550, causing a translational frameshift with a predicted alternate stop codon (p.Y183*). This alteration is expected to result in loss of function by premature protein truncation or nonsense-mediated mRNA decay. Based on the supporting evidence, this variant is pathogenic for an increased risk of nerve sheath tumors and would be expected to cause autosomal recessive Noonan syndrome when present along with a second pathogenic or likely pathogenic variant on the other allele. As such, this alteration is interpreted as a disease-causing mutation.